The following is an entry in ClinVar:

NM_001365276.2(TNXB):c.5137G>A (p.Gly1713Arg)

Gene: TNXB (tenascin XB; minus strand). Cytogenetic location: 6p21.33.
Variant type: single nucleotide variant.
Coding change: c.5137G>A on transcript NM_001365276.2 (MANE Select); coding-DNA position 5137, G replaced by A.
Protein change: p.Gly1713Arg; replaces glycine 1713 with arginine.
Molecular consequence: missense variant.
Genome position (GRCh38, 1-based): chr6:32,070,268, C>T on the plus strand (G>A on the coding strand, the complement: TNXB is on the minus strand). VCF-style: chr6-32070268-C-T. GRCh37 (hg19) VCF-style: chr6-32038045-C-T.
Other names: c.5878G>A, p.Gly1960Arg (NM_001428335.1); c.5137G>A, p.Gly1713Arg (NM_019105.8); short protein forms G1713R, G1960R.
Identifiers: ClinVar variation 4084789 (VCV004084789.8).

ClinVar aggregate classification (germline): Uncertain significance (1 of 4 stars; one submission).

gnomAD v4.1: 12 of 1,612,716 alleles (0.00074%); highest among the groups gnomAD compares: African/African-American, 0.0027%; no homozygotes.

Submission:

CeGaT Center for Human Genetics Tuebingen
Classification: Uncertain significance. Last evaluated: 2025-06-01. Review status: criteria provided, single submitter. Criteria: CeGaT Center For Human Genetics Tuebingen Variant Classification Criteria Version 2. Collection method: clinical testing. Allele origin: germline. Affected: yes. Observed: 1 variant allele.
Comment: TNXB: PM2, BP4